The following is an entry in ClinVar:

NM_012388.4(BLOC1S6):c.51C>G (p.Pro17=)

Gene: BLOC1S6 (biogenesis of lysosomal organelles complex 1 subunit 6; plus strand). Cytogenetic location: 15q21.1.
Variant type: single nucleotide variant.
Coding change: c.51C>G on transcript NM_012388.4 (MANE Select); coding-DNA position 51, C replaced by G.
Protein change: p.Pro17=; no amino-acid change (proline 17 retained).
Molecular consequence: synonymous variant. On other transcripts: non-coding transcript variant (5).
Genome position (GRCh38, 1-based): chr15:45,587,494, C>G. VCF-style: chr15-45587494-C-G. GRCh37 (hg19) VCF-style: chr15-45879692-C-G.
Identifiers: ClinVar variation 731866 (VCV000731866.13), dbSNP rs150470765, ClinGen allele CA7544223.

ClinVar aggregate classification (germline): Likely benign. Review status: criteria provided, multiple submitters, no conflicts (2 of 4 stars). 3 submissions from 3 submitters: Likely benign (2). 1 of the submissions does not count toward it. Last evaluated 2025-11-17.

Conditions:
BLOC1S6-related disorder. Also called: BLOC1S6-related condition.
Hermansky-Pudlak syndrome 9 (HPS9). Identifiers: Orphanet 280663, Orphanet 79430, MedGen C3280026, MONDO:0013606, OMIM 614171.

Allele frequency attached by ClinVar (database versions not stated): gnomAD exomes 0.00003 and 0.00006; ESP Exome Variant Server 0.00008; gnomAD 0.00016 and 0.00017; ExAC 0.00020; TOPMed 0.00025.
gnomAD v4.1: 86 of 1,585,080 alleles (0.0054%); highest among the groups gnomAD compares: Admixed American, 0.05%; 1 homozygote.

Submissions (3):

Labcorp Genetics (formerly Invitae), Labcorp
Classification: Likely benign for Hermansky-Pudlak syndrome 9. Last evaluated: 2025-11-17. Review status: criteria provided, single submitter. Criteria: Invitae Variant Classification Sherloc (09022015). Collection method: clinical testing. Allele origin: germline.

Blueprint Genetics
Classification: Likely benign. Last evaluated: 2024-10-24. Review status: criteria provided, single submitter. Criteria: ACMG Guidelines, 2015. Collection method: clinical testing. Allele origin: germline.

PreventionGenetics, part of Exact Sciences
Classification: Likely benign for BLOC1S6-related condition. Last evaluated: 2019-07-12. Review status: no assertion criteria provided. Collection method: clinical testing. Allele origin: germline. Not counted in ClinVar's aggregate classification.
Comment: This variant is classified as likely benign based on ACMG/AMP sequence variant interpretation guidelines (Richards et al. 2015 PMID: 25741868, with internal and published modifications).